The following is an entry in ClinVar:

NM_020922.5(WNK3):c.4919C>A (p.Ala1640Asp)

Gene: WNK3 (WNK lysine deficient protein kinase 3; minus strand). Cytogenetic location: Xp11.22.
Variant type: single nucleotide variant.
Coding change: c.4919C>A on transcript NM_020922.5 (MANE Select); coding-DNA position 4919, C replaced by A.
Protein change: p.Ala1640Asp; replaces alanine 1640 with aspartic acid.
Molecular consequence: missense variant.
Genome position (GRCh38, 1-based): chrX:54,202,145, G>T on the plus strand (C>A on the coding strand, the complement: WNK3 is on the minus strand). VCF-style: chrX-54202145-G-T. GRCh37 (hg19) VCF-style: chrX-54228578-G-T.
Other names: c.4748C>A, p.Ala1583Asp (NM_001002838.4, NM_001395166.1); short protein forms A1583D, A1640D.
Identifiers: ClinVar variation 3383515 (VCV003383515.1).

ClinVar aggregate classification (germline): Uncertain significance (1 of 4 stars; one submission).

Submission:

GeneDx
Classification: Uncertain significance. Last evaluated: 2024-05-29. Review status: criteria provided, single submitter. Criteria: GeneDx Variant Classification Process June 2021. Collection method: clinical testing. Allele origin: germline. Affected: yes.
Comment: Not observed at significant frequency in large population cohorts (gnomAD); In silico analysis indicates that this missense variant does not alter protein structure/function; Has not been previously published as pathogenic or benign to our knowledge